The following is an entry in ClinVar:

NM_014806.5(RUSC2):c.793T>A (p.Ser265Thr)

Gene: RUSC2 (RUN and SH3 domain containing 2; plus strand). Cytogenetic location: 9p13.3.
Variant type: single nucleotide variant.
Coding change: c.793T>A on transcript NM_014806.5 (MANE Select); coding-DNA position 793, T replaced by A.
Protein change: p.Ser265Thr; replaces serine 265 with threonine.
Molecular consequence: missense variant. On other transcripts: non-coding transcript variant (1), intron variant (1).
Genome position (GRCh38, 1-based): chr9:35,547,314, T>A. VCF-style: chr9-35547314-T-A. GRCh37 (hg19) VCF-style: chr9-35547311-T-A.
Other names: c.793T>A, p.Ser265Thr (NM_001135999.2); c.-620-7746T>A (NM_001330740.2); short protein forms S265T.
Identifiers: ClinVar variation 1522033 (VCV001522033.8), dbSNP rs746043437, ClinGen allele CA5043530.
Genomic context (GRCh38, chr9:35,547,314, plus strand): 5'-TCAGGGGACCAGCACTGCCGCTGCAGTAGCACATCCAGTCAGTCCGAGGCAGCTGACCAG[T>A]CCATGGGCTATGTGAGCGACTCCTCCTGCAACAGTTCAGATGGTGTGCTGGTCACCTTCA-3'
Protein context (NP_055621.2, residues 255-275): TSSQSEAADQ[Ser265Thr]MGYVSDSSCN

ClinVar aggregate classification (germline): Uncertain significance (1 of 4 stars; one submission).

Allele frequency attached by ClinVar (database versions not stated): gnomAD exomes below 0.00001 and 0.00001; ExAC 0.00001.
gnomAD v4.1: 3 of 1,614,132 alleles (0.00019%); highest among the groups gnomAD compares: South Asian, 0.0033%; no homozygotes.

Submission:

Labcorp Genetics (formerly Invitae), Labcorp
Classification: Uncertain significance. Last evaluated: 2021-07-06. Review status: criteria provided, single submitter. Criteria: Invitae Variant Classification Sherloc (09022015). Collection method: clinical testing. Allele origin: germline.
Comment: This variant has not been reported in the literature in individuals with RUSC2-related conditions. Algorithms developed to predict the effect of missense changes on protein structure and function are either unavailable or do not agree on the potential impact of this missense change (SIFT: "Tolerated"; PolyPhen-2: "Probably Damaging"; Align-GVGD: "Class C0"). In summary, the available evidence is currently insufficient to determine the role of this variant in disease. Therefore, it has been classified as a Variant of Uncertain Significance. This variant is present in population databases (rs746043437, ExAC 0.006%). This sequence change replaces serine with threonine at codon 265 of the RUSC2 protein (p.Ser265Thr). The serine residue is moderately conserved and there is a small physicochemical difference between serine and threonine.